The following is an entry in ClinVar:

ClinVar aggregate classification (germline): Uncertain significance (1 of 4 stars; one submission).

Conditions:
Joubert syndrome. Also called: CEREBELLOPARENCHYMAL DISORDER IV; JOUBERT-BOLTSHAUSER SYNDROME; Familial aplasia of the vermis. Identifiers: Orphanet 475, MedGen C5979921, MONDO:0018772.

Submission:

Labcorp Genetics (formerly Invitae), Labcorp
Classification: Uncertain significance for Joubert syndrome. Last evaluated: 2020-12-28. Review status: criteria provided, single submitter. Criteria: Invitae Variant Classification Sherloc (09022015). Collection method: clinical testing. Allele origin: germline.
Comment: In summary, the available evidence is currently insufficient to determine the role of this variant in disease. Therefore, it has been classified as a Variant of Uncertain Significance. Advanced modeling of protein sequence and biophysical properties (such as structural, functional, and spatial information, amino acid conservation, physicochemical variation, residue mobility, and thermodynamic stability) performed at Invitae indicates that this missense variant is expected to disrupt INPP5E protein function. This sequence change replaces leucine with phenylalanine at codon 371 of the INPP5E protein (p.Leu371Phe). The leucine residue is highly conserved and there is a small physicochemical difference between leucine and phenylalanine. This variant is not present in population databases (ExAC no frequency). This variant has not been reported in the literature in individuals with INPP5E-related conditions.

NM_019892.6(INPP5E):c.1111C>T (p.Leu371Phe)

Gene: INPP5E (inositol polyphosphate-5-phosphatase E; minus strand). Cytogenetic location: 9q34.3.
Variant type: single nucleotide variant.
Coding change: c.1111C>T on transcript NM_019892.6 (MANE Select); coding-DNA position 1111, C replaced by T.
Protein change: p.Leu371Phe; replaces leucine 371 with phenylalanine.
Molecular consequence: missense variant.
Genome position (GRCh38, 1-based): chr9:136,433,203, G>A on the plus strand (C>T on the coding strand, the complement: INPP5E is on the minus strand). VCF-style: chr9-136433203-G-A. GRCh37 (hg19) VCF-style: chr9-139327655-G-A.
Other names: c.1111C>T, p.Leu371Phe (NM_001318502.2); short protein forms L371F.
Identifiers: ClinVar variation 1421927 (VCV001421927.8), dbSNP rs2131609205, ClinGen allele CA375564313.
Genomic context (GRCh38, chr9:136,433,203, plus strand): 5'-AGCCGCGCCCACCTGAGCAGAACCAGATGAGGTCCCTGCGGATGAAGAGCGACATGTAGA[G>A]CACGCCGTGGGCCGCCGAGGACAGCAGCACATAGTGCGGGCCCAGCGTCTCCTGCAGACG-3'
Protein context (NP_063945.2, residues 361-381): VLLSSAAHGV[Leu371Phe]YMSLFIRRDL